The following is an entry in ClinVar:

NM_012452.3(TNFRSF13B):c.428G>A (p.Gly143Asp)

Gene: TNFRSF13B (TNF receptor superfamily member 13B; minus strand). Cytogenetic location: 17p11.2.
Variant type: single nucleotide variant.
Coding change: c.428G>A on transcript NM_012452.3 (MANE Select); coding-DNA position 428, G replaced by A.
Protein change: p.Gly143Asp; replaces glycine 143 with aspartic acid.
Molecular consequence: missense variant.
Genome position (GRCh38, 1-based): chr17:16,948,755, C>T on the plus strand (G>A on the coding strand, the complement: TNFRSF13B is on the minus strand). VCF-style: chr17-16948755-C-T. GRCh37 (hg19) VCF-style: chr17-16852069-C-T.
Other names: short protein forms G143D.
Identifiers: ClinVar variation 1964741 (VCV001964741.5), dbSNP rs1462775060, ClinGen allele CA398519765.

ClinVar aggregate classification (germline): Uncertain significance (1 of 4 stars; one submission).

Conditions:
Immunodeficiency, common variable, 2 (CVID2). Also called: ANTIBODY DEFICIENCY DUE TO TACI DEFECT; HYPOGAMMAGLOBULINEMIA DUE TO TACI DEFICIENCY. Identifiers: Orphanet 1572, MedGen C3150354, MONDO:0009413, OMIM 240500.

Allele frequency attached by ClinVar (database versions not stated): TOPMed below 0.00001; gnomAD 0.00001; gnomAD exomes 0.00001.
gnomAD v4.1: 10 of 1,613,994 alleles (0.00062%); highest among the groups gnomAD compares: Non-Finnish European, 0.00085%; no homozygotes.

Submission:

Labcorp Genetics (formerly Invitae), Labcorp
Classification: Uncertain significance for Immunodeficiency, common variable, 2. Last evaluated: 2022-07-29. Review status: criteria provided, single submitter. Criteria: Invitae Variant Classification Sherloc (09022015). Collection method: clinical testing. Allele origin: germline.
Comment: In summary, the available evidence is currently insufficient to determine the role of this variant in disease. Therefore, it has been classified as a Variant of Uncertain Significance. Algorithms developed to predict the effect of missense changes on protein structure and function are either unavailable or do not agree on the potential impact of this missense change (SIFT: "Deleterious"; PolyPhen-2: "Possibly Damaging"; Align-GVGD: "Class C0"). This variant has not been reported in the literature in individuals affected with TNFRSF13B-related conditions. This variant is present in population databases (no rsID available, gnomAD 0.0009%). This sequence change replaces glycine, which is neutral and non-polar, with aspartic acid, which is acidic and polar, at codon 143 of the TNFRSF13B protein (p.Gly143Asp).